The following is an entry in ClinVar:

NM_000551.4(VHL):c.407T>G (p.Phe136Cys)

Genes: VHL (von Hippel-Lindau tumor suppressor; plus strand), LOC107303340 (3p25 von Hippel-Lindau tumor suppressor, E3 ubiquitin protein ligase Alu-mediated recombination region; plus strand). Cytogenetic location: 3p25.3.
Variant type: single nucleotide variant.
Coding change: c.407T>G on transcript NM_000551.4 (MANE Select); coding-DNA position 407, T replaced by G.
Protein change: p.Phe136Cys; replaces phenylalanine 136 with cysteine.
Molecular consequence: missense variant. On other transcripts: intron variant (2).
Genome position (GRCh38, 1-based): chr3:10,146,580, T>G. VCF-style: chr3-10146580-T-G. GRCh37 (hg19) VCF-style: chr3-10188264-T-G.
Other names: c.*18-3207T>G (NM_001354723.2); c.341-3207T>G (NM_198156.3); short protein forms F136C.
Identifiers: ClinVar variation 496065 (VCV000496065.6), dbSNP rs5030833, ClinGen allele CA70049495.

ClinVar aggregate classification (germline): Conflicting classifications of pathogenicity. Review status: criteria provided, conflicting classifications (1 of 4 stars). 4 submissions from 4 submitters: Pathogenic (2); Likely pathogenic (1); Uncertain significance (1). Last evaluated 2026-01-26.

Conditions:
Von Hippel-Lindau syndrome (VHLS). Also called: von Hippel–Lindau syndrome; Von Hippel-Lindau; VHL syndrome. Identifiers: Orphanet 892, MedGen C0019562, MONDO:0008667, OMIM 193300. Disease mechanism: loss of function.
Chuvash polycythemia. Also called: POLYCYTHEMIA, VHL-DEPENDENT. Identifiers: Orphanet 238557, MedGen C1837915, MONDO:0009892, OMIM 263400.
Hereditary cancer-predisposing syndrome. Also called: Tumor predisposition; Hereditary Cancer Syndrome; Neoplastic Syndromes, Hereditary; Hereditary neoplastic syndrome. Identifiers: Orphanet 140162, MedGen C0027672, MeSH D009386, MONDO:0015356.

Submissions (4):

Ambry Genetics
Classification: Pathogenic for Hereditary cancer-predisposing syndrome. Last evaluated: 2026-01-26. Review status: criteria provided, single submitter. Criteria: Ambry Variant Classification Scheme 2023. Collection method: clinical testing. Allele origin: germline.
Comment: The p.F136C pathogenic mutation (also known as c.407T>G), located in coding exon 2 of the VHL gene, results from a T to G substitution at nucleotide position 407. The phenylalanine at codon 136 is replaced by cysteine, an amino acid with highly dissimilar properties. This variant was reported in individual(s) with features consistent with von Hippel-Lindau syndrome (Whaley JM et al. Am J Hum Genet, 1994 Dec;55:1092-102; Gl&auml;sker S et al. J Neurol Neurosurg Psychiatry, 1999 Dec;67:758-62; Klein B et al. Hum Genet, 2001 May;108:376-84; Neumann HP et al. N Engl J Med, 2002 May;346:1459-66; Benhammou JN et al. J Urol, 2010 Nov;184:1855-9; Ambry internal data). This variant was determined to be functionally deleterious in one saturation genome editing assay (Buckley M et al. Nat Genet, 2024 Jul;56:1446-1455). Other variant(s) at this same codon, p.F136S and p.F136V, have been reported in individuals with von Hippel-Lindau syndrome (Whaley JM et al. Am. J. Hum. Genet., 1994 Dec;55:1092-102; Crossey PA et al. Hum. Mol. Genet., 1994 Aug;3:1303-8; Tr&ouml;bs RB et al. Urol Int, 2002;68:299-301; Ambry internal data). This amino acid position is highly conserved in available vertebrate species. In addition, this alteration is predicted to be deleterious by in silico analysis. Based on the supporting evidence, this variant is interpreted as a disease-causing mutation.

Labcorp Genetics (formerly Invitae), Labcorp
Classification: Likely pathogenic for Von Hippel-Lindau syndrome; Chuvash polycythemia. Last evaluated: 2025-05-04. Review status: criteria provided, single submitter. Criteria: Invitae Variant Classification Sherloc (09022015). Collection method: clinical testing. Allele origin: germline.
Comment: This sequence change replaces phenylalanine, which is neutral and non-polar, with cysteine, which is neutral and slightly polar, at codon 136 of the VHL protein (p.Phe136Cys). This variant is not present in population databases (gnomAD no frequency). This missense change has been observed in individual(s) with clinical features of von Hippel-Lindau syndrome (PMID: 7977367, 10567493, 12000816). This variant is also known as c.620T>G, p.Phe207Cys. ClinVar contains an entry for this variant (Variation ID: 496065). Invitae Evidence Modeling of protein sequence and biophysical properties (such as structural, functional, and spatial information, amino acid conservation, physicochemical variation, residue mobility, and thermodynamic stability) indicates that this missense variant is expected to disrupt VHL protein function with a positive predictive value of 95%. Experimental studies have shown that this missense change affects VHL function (PMID: 14556007). This variant disrupts the p.Phe136 amino acid residue in VHL. Other variant(s) that disrupt this residue have been determined to be pathogenic (PMID: 12202531, 12624160, 15300849, 17024664). This suggests that this residue is clinically significant, and that variants that disrupt this residue are likely to be disease-causing. In summary, the currently available evidence indicates that the variant is pathogenic, but additional data are needed to prove that conclusively. Therefore, this variant has been classified as Likely Pathogenic.

Genomic Diagnostic Laboratory, Division of Genomic Diagnostics, Children's Hospital of Philadelphia
Classification: Uncertain significance for von Hippel-Lindau syndrome. Last evaluated: 2018-08-01. Review status: criteria provided, single submitter. Criteria: DGD Variant Analysis Guidelines. Collection method: clinical testing. Allele origin: germline. Affected: yes. Observed: 1 variant allele.

Women's Health and Genetics/Laboratory Corporation of America, LabCorp
Classification: Pathogenic for Hereditary cancer-predisposing syndrome. Last evaluated: 2016-02-10. Review status: criteria provided, single submitter. Criteria: LabCorp Variant Classification Summary - May 2015. Collection method: clinical testing. Allele origin: germline.
Comment: Variant summary: VHL c.407T>G variant affects a conserved nucleotide, resulting in amino acid change from an aromatic Phe to a medium sized polar Cys. 4/4 in-silico tools predict damaging outcome for this variant (Mutation Taster not captured due to low p-value). Hif1-alpha regulation has been strongly correlated with hemangioblastoma susceptibility; and functional studies have shown that F136C disrupts binding to Hif1-alpha and elongin C, and reduces binding affinity for TBP-1 (Corn_NG_2003). This variant is not found in 121412 control chromosomes; however, it has been cited in at least 5 patients with pheochromocytoma and 1 patient with haemangioblastoma of the CNS. Taken together, this is a disease variant and was classified as pathogenic.

Literature cited by the submitters: PubMed 10567493 (cited by 3 submitters); PubMed 11409863 (cited by Ambry Genetics and Women's Health and Genetics/Laboratory Corporation of America, LabCorp); PubMed 12000816 (cited by 3 submitters); PubMed 20846682 (cited by Ambry Genetics and Women's Health and Genetics/Laboratory Corporation of America, LabCorp); PubMed 38969834 (cited by Ambry Genetics); PubMed 7977367 (cited by 3 submitters); PubMed 14556007 (cited by Labcorp Genetics (formerly Invitae), Labcorp and Women's Health and Genetics/Laboratory Corporation of America, LabCorp); PubMed 12202531 (cited by Labcorp Genetics (formerly Invitae), Labcorp); PubMed 12624160 (cited by Labcorp Genetics (formerly Invitae), Labcorp); PubMed 15300849 (cited by Labcorp Genetics (formerly Invitae), Labcorp); PubMed 17024664 (cited by Labcorp Genetics (formerly Invitae), Labcorp); PubMed 8956040 (cited by Women's Health and Genetics/Laboratory Corporation of America, LabCorp); PubMed 10766184 (cited by Women's Health and Genetics/Laboratory Corporation of America, LabCorp); PubMed 18836774 (cited by Women's Health and Genetics/Laboratory Corporation of America, LabCorp).